The following is an entry in ClinVar:

NM_003722.5(TP63):c.110G>A (p.Arg37Gln)

Gene: TP63 (tumor protein p63; plus strand). Cytogenetic location: 3q28.
Variant type: single nucleotide variant.
Coding change: c.110G>A on transcript NM_003722.5 (MANE Select); coding-DNA position 110, G replaced by A.
Protein change: p.Arg37Gln; replaces arginine 37 with glutamine.
Molecular consequence: missense variant.
Genome position (GRCh38, 1-based): chr3:189,737,787, G>A. VCF-style: chr3-189737787-G-A. GRCh37 (hg19) VCF-style: chr3-189455576-G-A.
Other names: c.110G>A, p.Arg37Gln (NM_001114978.2, NM_001114979.2, NM_001329144.2 and 1 more transcripts); c.104G>A, p.Arg35Gln (NM_001329964.2); short protein forms R35Q, R37Q.
Identifiers: ClinVar variation 1398414 (VCV001398414.8), dbSNP rs754361670, ClinGen allele CA2752027.

ClinVar aggregate classification (germline): Uncertain significance. Review status: criteria provided, multiple submitters, no conflicts (2 of 4 stars). 2 submissions from 2 submitters: Uncertain significance (2). Last evaluated 2024-12-18.

Conditions:
TP63-Related Spectrum Disorders.
ADULT syndrome. Also called: ACRO-DERMATO-UNGUAL-LACRIMAL-TOOTH SYNDROME; Acro-dermato-ungual-lacrimal-tooth (adult) syndrome; Acro-Dermo-Ungual-Lacrimal-Tooth Syndrome (ADULT Syndrome). Identifiers: Orphanet 978, MedGen C1863204, MONDO:0007072, OMIM 103285.
Rapp-Hodgkin syndrome (RHS). Also called: ECTODERMAL DYSPLASIA, ANHIDROTIC, WITH CLEFT LIP/PALATE; Rapp-Hodgkin ectodermal dysplasia syndrome; Isolated Cleft Lip/Cleft Palate (Orofacial Cleft 8). Identifiers: MedGen C1785148, MONDO:0007508, OMIM 129400.
Ankyloblepharon-ectodermal defects-cleft lip/palate syndrome. Also called: Hay-Wells syndrome of ectodermal dysplasia; AEC SYNDROME; HAY-WELLS SYNDROME; Ankyloblepharon-ectodermal defects, cleft lip/palate; Ankyloblepharon-Ectodermal Defects-Cleft Lip/Palate Syndrome (AEC Syndrome). Identifiers: Orphanet 1071, MedGen C0406709, MONDO:0007124, OMIM 106260.
Ectrodactyly, ectodermal dysplasia, and cleft lip-palate syndrome 3. Also called: Ectrodactyly, Ectodermal Dysplasia, Clefting Syndrome; EEC SYNDROME 3; Ectrodactyly, Ectodermal Dysplasia, Cleft Lip/Palate Syndrome 3 (EEC3); Ectrodactyly, Ectodermal Dysplasia, Clefting Syndrome Type 3 (EEC3). Identifiers: Orphanet 1896, MedGen C1858562, MONDO:0011428, OMIM 604292.
Split hand-foot malformation 4. Also called: Split-Hand/Foot Malformation Type 4 (SHFM4); Split-Hand/Foot Malformation Type 4 (SHFM4 syndrome). Identifiers: Orphanet 2440, MedGen C1854442, MONDO:0011535, OMIM 605289.
Limb-mammary syndrome (LMS). Also called: Mammary hypoplasia, ectrodactyly, and other hand/foot anomalies. Identifiers: Orphanet 69085, MedGen C1863753, MONDO:0011334, OMIM 603543.
Orofacial cleft 8. Also called: Cleft lip with or without cleft palate, nonsyndromic, 8. Identifiers: MedGen C1851878, MONDO:0029145, OMIM 618149.

Allele frequency attached by ClinVar (database versions not stated): TOPMed 0.00004; gnomAD 0.00002.
gnomAD v4.1: 24 of 1,613,752 alleles (0.0015%); highest among the groups gnomAD compares: Admixed American, 0.025%; no homozygotes.

Submissions (2):

Labcorp Genetics (formerly Invitae), Labcorp
Classification: Uncertain significance. Last evaluated: 2024-12-18. Review status: criteria provided, single submitter. Criteria: Invitae Variant Classification Sherloc (09022015). Collection method: clinical testing. Allele origin: germline.
Comment: This sequence change replaces arginine, which is basic and polar, with glutamine, which is neutral and polar, at codon 37 of the TP63 protein (p.Arg37Gln). This variant is present in population databases (rs754361670, gnomAD 0.02%), and has an allele count higher than expected for a pathogenic variant. This variant has not been reported in the literature in individuals affected with TP63-related conditions. ClinVar contains an entry for this variant (Variation ID: 1398414). Invitae Evidence Modeling incorporating data from in vitro experimental studies (internal data) indicates that this missense variant is not expected to disrupt TP63 function with a negative predictive value of 80%. In summary, the available evidence is currently insufficient to determine the role of this variant in disease. Therefore, it has been classified as a Variant of Uncertain Significance.

Fulgent Genetics
Classification: Uncertain significance for ADULT syndrome; Ankyloblepharon-ectodermal defects-cleft lip/palate syndrome; Rapp-Hodgkin syndrome; Limb-mammary syndrome; Ectrodactyly, ectodermal dysplasia, and cleft lip-palate syndrome 3; Split hand-foot malformation 4; Orofacial cleft 8. Last evaluated: 2021-10-27. Review status: criteria provided, single submitter. Criteria: ACMG Guidelines, 2015. Collection method: clinical testing. Allele origin: unknown.